The following is an entry in ClinVar:

ClinVar aggregate classification (germline): Benign (0 of 4 stars; one submission).

Conditions:
RGS2-related disorder. Also called: RGS2-related condition.

Allele frequency attached by ClinVar (database versions not stated): 1000 Genomes Project 0.00459; 1000 Genomes Project 30x 0.00547; ESP Exome Variant Server 0.00753; TOPMed 0.00756.

Submissions (3):

PreventionGenetics, part of Exact Sciences
Classification: Benign for RGS2-related condition. Last evaluated: 2019-06-07. Review status: no assertion criteria provided. Collection method: clinical testing. Allele origin: germline.
Comment: This variant is classified as benign based on ACMG/AMP sequence variant interpretation guidelines (Richards et al. 2015 PMID: 25741868, with internal and published modifications).

Dr. Peter K. Rogan Lab, Western University
No classification provided (evidence only). Condition: Uterine corpus endometrial carcinoma. Review status: no classification provided. Collection method: in vitro. Allele origin: not applicable. Functional consequence: retained intron. Not counted in ClinVar's aggregate classification.

Dr. Peter K. Rogan Lab, Western University
No classification provided (evidence only). Condition: Sarcoma. Review status: no classification provided. Collection method: in vitro. Allele origin: not applicable. Functional consequence: retained intron. Not counted in ClinVar's aggregate classification.

NM_002923.4(RGS2):c.-3A>G

Genes: RGS2 (regulator of G protein signaling 2; plus strand), LOC129932144 (ATAC-STARR-seq lymphoblastoid active region 2264; plus strand). Cytogenetic location: 1q31.2.
Variant type: single nucleotide variant.
Coding change: c.-3A>G on transcript NM_002923.4 (MANE Select); 3 bases upstream of the start codon, A replaced by G.
Molecular consequence: 5 prime UTR variant.
Genome position (GRCh38, 1-based): chr1:192,809,069, A>G. VCF-style: chr1-192809069-A-G. GRCh37 (hg19) VCF-style: chr1-192778199-A-G.
Other names: NC_000001.10:g.192778199A>G.
Identifiers: ClinVar variation 3043677 (VCV003043677.3), dbSNP rs143288784, ClinGen allele CA1301805.
Genomic context (GRCh38, chr1:192,809,069, plus strand): 5'-CCTCATAAATGCTGCGACGCACGCCCAGCCGCAAACAGCCGGGGCTCCAGCGGGAGAACG[A>G]TAATGCAAAGTGCTATGTTCTTGGCTGTTCAACACGACTGCAGACCCATGGACAAGAGCG-3'